The following is an entry in ClinVar:

NM_000748.3(CHRNB2):c.41T>G (p.Phe14Cys)

Gene: CHRNB2 (cholinergic receptor nicotinic beta 2 subunit; plus strand). Cytogenetic location: 1q21.3.
Variant type: single nucleotide variant.
Coding change: c.41T>G on transcript NM_000748.3 (MANE Select); coding-DNA position 41, T replaced by G.
Protein change: p.Phe14Cys; replaces phenylalanine 14 with cysteine.
Molecular consequence: missense variant.
Genome position (GRCh38, 1-based): chr1:154,568,085, T>G. VCF-style: chr1-154568085-T-G. GRCh37 (hg19) VCF-style: chr1-154540561-T-G.
Other names: short protein forms F14C.
Identifiers: ClinVar variation 3391726 (VCV003391726.1).

ClinVar aggregate classification (germline): Uncertain significance (1 of 4 stars; one submission).

Submission:

GeneDx
Classification: Uncertain significance. Last evaluated: 2024-06-17. Review status: criteria provided, single submitter. Criteria: GeneDx Variant Classification Process June 2021. Collection method: clinical testing. Allele origin: germline. Affected: yes.
Comment: Not observed at significant frequency in large population cohorts (gnomAD); In silico analysis indicates that this missense variant does not alter protein structure/function; Has not been previously published as pathogenic or benign to our knowledge